The following is an entry in ClinVar:

NM_014795.4(ZEB2):c.2653A>G (p.Ser885Gly)

Gene: ZEB2 (zinc finger E-box binding homeobox 2; minus strand). Cytogenetic location: 2q22.3.
Variant type: single nucleotide variant.
Coding change: c.2653A>G on transcript NM_014795.4 (MANE Select); coding-DNA position 2653, A replaced by G.
Protein change: p.Ser885Gly; replaces serine 885 with glycine.
Molecular consequence: missense variant.
Genome position (GRCh38, 1-based): chr2:144,398,534, T>C on the plus strand (A>G on the coding strand, the complement: ZEB2 is on the minus strand). VCF-style: chr2-144398534-T-C. GRCh37 (hg19) VCF-style: chr2-145156101-T-C.
Other names: c.2581A>G, p.Ser861Gly (NM_001171653.2); short protein forms S885G, S861G.
Identifiers: ClinVar variation 3690811 (VCV003690811.2).

ClinVar aggregate classification (germline): Uncertain significance (1 of 4 stars; one submission).

Conditions:
Mowat-Wilson syndrome (MOWS). Also called: Classic Mowat-Wilson Syndrome. Identifiers: Orphanet 2152, MedGen C1856113, MONDO:0009341, OMIM 235730.

Submission:

Labcorp Genetics (formerly Invitae), Labcorp
Classification: Uncertain significance for Mowat-Wilson syndrome. Last evaluated: 2024-10-30. Review status: criteria provided, single submitter. Criteria: Invitae Variant Classification Sherloc (09022015). Collection method: clinical testing. Allele origin: germline.
Comment: This sequence change replaces serine, which is neutral and polar, with glycine, which is neutral and non-polar, at codon 885 of the ZEB2 protein (p.Ser885Gly). This variant is not present in population databases (gnomAD no frequency). This variant has not been reported in the literature in individuals affected with ZEB2-related conditions. Invitae Evidence Modeling of protein sequence and biophysical properties (such as structural, functional, and spatial information, amino acid conservation, physicochemical variation, residue mobility, and thermodynamic stability) indicates that this missense variant is not expected to disrupt ZEB2 protein function with a negative predictive value of 80%. In summary, the available evidence is currently insufficient to determine the role of this variant in disease. Therefore, it has been classified as a Variant of Uncertain Significance.